The following is an entry in ClinVar:

NM_001347721.2(DYRK1A):c.1598T>A (p.Phe533Tyr)

Gene: DYRK1A (dual specificity tyrosine phosphorylation regulated kinase 1A; plus strand). Cytogenetic location: 21q22.13.
Variant type: single nucleotide variant.
Coding change: c.1598T>A on transcript NM_001347721.2 (MANE Select); coding-DNA position 1598, T replaced by A.
Protein change: p.Phe533Tyr; replaces phenylalanine 533 with tyrosine.
Molecular consequence: missense variant. On other transcripts: intron variant (1).
Genome position (GRCh38, 1-based): chr21:37,506,177, T>A. VCF-style: chr21-37506177-T-A. GRCh37 (hg19) VCF-style: chr21-38878480-T-A.
Other names: c.1598T>A, p.Phe533Tyr (NM_130436.2, NM_001347722.2); c.1546+588T>A (NM_130438.2); c.1511T>A, p.Phe504Tyr (NM_001347723.2); c.1625T>A, p.Phe542Tyr (NM_001396.5, NM_101395.2); short protein forms F504Y, F533Y, F542Y.
Identifiers: ClinVar variation 2793133 (VCV002793133.3), dbSNP rs2053591497, ClinGen allele CA409938948.
Genomic context (GRCh38, chr21:37,506,177, plus strand): 5'-GCAACAGTGGGAGAGCCCGGTCGGATCCGACGCACCAGCATCGGCACAGTGGTGGGCACT[T>A]CACAGCTGCCGTGCAGGCCATGGACTGCGAGACACACAGTCCCCAGGTGAGCTCGCACGT-3'
Protein context (NP_001334650.1, residues 523-543): THQHRHSGGH[Phe533Tyr]TAAVQAMDCE

ClinVar aggregate classification (germline): Uncertain significance (1 of 4 stars; one submission).

Conditions:
DYRK1A-related intellectual disability syndrome (MRD7). Also called: DYRK1A Syndrome; Intellectual developmental disorder, autosomal dominant 7. Identifiers: Orphanet 464306, MedGen C5568143, MONDO:0013578, OMIM 614104.

Allele frequency attached by ClinVar (database versions not stated): gnomAD exomes 0.00001.
gnomAD v4.1: 4 of 1,614,170 alleles (0.00025%); highest among the groups gnomAD compares: Non-Finnish European, 0.00034%; no homozygotes.

Submission:

Labcorp Genetics (formerly Invitae), Labcorp
Classification: Uncertain significance for DYRK1A-related intellectual disability syndrome. Last evaluated: 2023-12-30. Review status: criteria provided, single submitter. Criteria: Invitae Variant Classification Sherloc (09022015). Collection method: clinical testing. Allele origin: germline.
Comment: This sequence change replaces phenylalanine, which is neutral and non-polar, with tyrosine, which is neutral and polar, at codon 542 of the DYRK1A protein (p.Phe542Tyr). This variant is not present in population databases (gnomAD no frequency). This variant has not been reported in the literature in individuals affected with DYRK1A-related conditions. Advanced modeling of protein sequence and biophysical properties (such as structural, functional, and spatial information, amino acid conservation, physicochemical variation, residue mobility, and thermodynamic stability) performed at Invitae indicates that this missense variant is not expected to disrupt DYRK1A protein function with a negative predictive value of 95%. In summary, the available evidence is currently insufficient to determine the role of this variant in disease. Therefore, it has been classified as a Variant of Uncertain Significance.